The following is an entry in ClinVar:

ClinVar aggregate classification (germline): Uncertain significance. Review status: criteria provided, multiple submitters, no conflicts (2 of 4 stars). 3 submissions from 3 submitters: Uncertain significance (2). 1 of the submissions does not count toward it. Last evaluated 2025-11-25.

Conditions:
TH-deficient dopa-responsive dystonia. Also called: DYT-TH; Tyrosine Hydroxylase-Deficient Dopa-Responsive Dystonia; Segawa syndrome, autosomal recessive. Identifiers: Orphanet 101150, MedGen C2673535, MONDO:0011551, OMIM 605407.

Allele frequency attached by ClinVar (database versions not stated): gnomAD 0.00001; 1000 Genomes Project 30x 0.00016; gnomAD exomes below 0.00001 and 0.00001; TOPMed below 0.00001; ExAC 0.00001; 1000 Genomes Project 0.00020.

Submissions (3):

Myriad Genetics, Inc.
Classification: Uncertain significance for TH-deficient dopa-responsive dystonia. Last evaluated: 2025-11-25. Review status: criteria provided, single submitter. Criteria: Myriad Autosomal Dominant, Autosomal Recessive and X-Linked Classification Criteria (2023). Collection method: clinical testing. Allele origin: unknown.
Comment: NM_199292.2(TH):c.2T>C(M1?) is an initiation codon variant classified as a variant of uncertain significance in the context of tyrosine hydroxylase deficiency. M1? has not been observed in cases with relevant disease. Relevant functional assessments of this variant are not available in the literature. M1? has been observed in referenced population frequency databases. In summary, there is insufficient evidence to classify NM_199292.2(TH):c.2T>C(M1?) as pathogenic or benign. Please note: this variant was assessed in the context of healthy population screening.

Labcorp Genetics (formerly Invitae), Labcorp
Classification: Uncertain significance for TH-deficient dopa-responsive dystonia. Last evaluated: 2023-07-14. Review status: criteria provided, single submitter. Criteria: Invitae Variant Classification Sherloc (09022015). Collection method: clinical testing. Allele origin: germline.
Comment: This sequence change affects the initiator methionine of the TH mRNA. The next in-frame methionine is located at codon 30. This variant is present in population databases (rs201932766, gnomAD 0.009%). This variant has not been reported in the literature in individuals affected with TH-related conditions. ClinVar contains an entry for this variant (Variation ID: 556248). Experimental studies and prediction algorithms are not available or were not evaluated, and the functional significance of this variant is currently unknown. In summary, the available evidence is currently insufficient to determine the role of this variant in disease. Therefore, it has been classified as a Variant of Uncertain Significance.

Counsyl
Classification: Likely pathogenic for TH-deficient dopa-responsive dystonia. Last evaluated: 2018-01-23. Review status: no assertion criteria provided. Collection method: clinical testing. Allele origin: unknown. Not counted in ClinVar's aggregate classification.

NM_000360.4(TH):c.2T>C (p.Met1Thr)

Gene: TH (tyrosine hydroxylase; minus strand). Cytogenetic location: 11p15.5.
Variant type: single nucleotide variant.
Coding change: c.2T>C on transcript NM_000360.4 (MANE Select); coding-DNA position 2, T replaced by C.
Protein change: p.Met1Thr; changes the start codon (methionine 1).
Molecular consequence: missense variant, initiator codon variant.
Genome position (GRCh38, 1-based): chr11:2,171,785, A>G on the plus strand (T>C on the coding strand, the complement: TH is on the minus strand). VCF-style: chr11-2171785-A-G. GRCh37 (hg19) VCF-style: chr11-2193015-A-G.
Other names: c.2T>C, p.Met1Thr (NM_199292.3, NM_199293.3); short protein forms M1T.
Identifiers: ClinVar variation 556248 (VCV000556248.6), dbSNP rs201932766, ClinGen allele CA5818897.